The following is an entry in ClinVar:

NM_201596.3(CACNB2):c.731G>A (p.Arg244His)

Gene: CACNB2 (calcium voltage-gated channel auxiliary subunit beta 2; plus strand). Cytogenetic location: 10p12.31.
Variant type: single nucleotide variant.
Coding change: c.731G>A on transcript NM_201596.3 (MANE Select); coding-DNA position 731, G replaced by A.
Protein change: p.Arg244His; replaces arginine 244 with histidine.
Molecular consequence: missense variant. On other transcripts: intron variant (6).
Genome position (GRCh38, 1-based): chr10:18,514,296, G>A. VCF-style: chr10-18514296-G-A. GRCh37 (hg19) VCF-style: chr10-18803225-G-A.
Other names: c.671-215G>A (NM_201593.3); c.671-684G>A (NM_201597.3); c.506-215G>A (NM_001330060.2); c.527-215G>A (NM_001410882.1); c.566G>A, p.Arg189His (NM_000724.4); c.587G>A, p.Arg196His (NM_201570.3); c.647G>A, p.Arg216His (NM_201571.4); c.569G>A, p.Arg190His (NM_201590.3); and 2 more; short protein forms R216H, R196H, R244H, R189H, R190H.
Identifiers: ClinVar variation 4218006 (VCV004218006.1).
Genomic context (GRCh38, chr10:18,514,296, plus strand): 5'-CTATAGACATAGATGCTACTGGCTTAGATGCAGAAGAAAATGATATTCCAGCAAACCACC[G>A]CTCCCCTAAACCCAGTGCAAACAGTGTAACGTCACCCCACTCCAAAGAGAAAAGAATGCC-3'
Protein context (NP_963890.2, residues 234-254): AEENDIPANH[Arg244His]SPKPSANSVT

ClinVar aggregate classification (germline): Uncertain significance (1 of 4 stars; one submission).

Conditions:
Cardiovascular phenotype. Identifiers: MedGen CN230736.

gnomAD v4.1: 11 of 1,613,940 alleles (0.00068%); highest among the groups gnomAD compares: Admixed American, 0.0033%; no homozygotes.

Submission:

Ambry Genetics
Classification: Uncertain significance for Cardiovascular phenotype. Last evaluated: 2025-06-15. Review status: criteria provided, single submitter. Criteria: Ambry Variant Classification Scheme 2023. Collection method: clinical testing. Allele origin: germline.
Comment: The p.R190H variant (also known as c.569G>A), located in coding exon 6 of the CACNB2 gene, results from a G to A substitution at nucleotide position 569. The arginine at codon 190 is replaced by histidine, an amino acid with highly similar properties. This amino acid position is conserved. In addition, the in silico prediction for this alteration is inconclusive. Based on the available evidence, the clinical significance of this variant remains unclear.